The following is an entry in ClinVar:

ClinVar aggregate classification (germline): Pathogenic (1 of 4 stars; one submission).

Conditions:
Hereditary breast ovarian cancer syndrome. Also called: BRCA1- and BRCA2-Associated Hereditary Breast and Ovarian Cancer; Breast and ovarian cancer; Hereditary breast and ovarian cancer syndrome (HBOC); Hereditary breast and ovarian cancer; Hereditary breast and ovarian cancer syndrome; Hereditary breast and/or ovarian cancer syndrome. Identifiers: Orphanet 145, MedGen C0677776, MeSH D061325, MONDO:0003582. Disease mechanism: loss of function.

Submission:

Labcorp Genetics (formerly Invitae), Labcorp
Classification: Pathogenic for Hereditary breast ovarian cancer syndrome. Last evaluated: 2018-10-23. Review status: criteria provided, single submitter. Criteria: Invitae Variant Classification Sherloc (09022015). Collection method: clinical testing. Allele origin: germline.
Comment: For these reasons, this variant has been classified as Pathogenic. Loss-of-function variants in BRCA2 are known to be pathogenic (PMID: 20104584). This variant has not been reported in the literature in individuals with BRCA2-related disease. This variant is not present in population databases (ExAC no frequency). This sequence change creates a premature translational stop signal (p.Leu1635Glufs*3) in the BRCA2 gene. It is expected to result in an absent or disrupted protein product.

Literature cited by the submitters: PubMed 20104584.

NM_000059.4(BRCA2):c.4899_4900del (p.Leu1635fs)

Gene: BRCA2 (BRCA2 DNA repair associated; plus strand). Cytogenetic location: 13q13.1.
Variant type: Deletion.
Coding change: c.4899_4900del on transcript NM_000059.4 (MANE Select); coding-DNA positions 4899 to 4900, 2 bases deleted (CT; older notation c.4899_4900delCT).
Protein change: p.Leu1635fs; shifts the reading frame from leucine 1635.
Molecular consequence: frameshift variant.
Genome position (GRCh38, 1-based): chr13:32,339,254-32,339,255, CT deleted; deleting any 2 consecutive bases within chr13:32,339,253-32,339,255 gives the same sequence; the c. name uses the placement nearest the transcript's 3' end. VCF-style (leftmost placement, unchanged base first): chr13-32339252-ATC-A. GRCh37 (hg19) VCF-style: chr13-32913389-ATC-A.
Other names: c.4899_4900delCT (NM_000059.3); short protein forms L1635fs.
Identifiers: ClinVar variation 664678 (VCV000664678.7), dbSNP rs1593903728, ClinGen allele CA915948475.